The following is an entry in ClinVar:

ClinVar aggregate classification (germline): Likely pathogenic (1 of 4 stars; one submission).

Conditions:
Primary ciliary dyskinesia. Also called: Ciliary dyskinesia. Identifiers: Orphanet 244, MedGen C0008780, MONDO:0016575, HP:0012265.

Submission:

Department of Human Genetics, Hannover Medical School
Classification: Likely pathogenic for Primary Ciliary Dyskinesia. Last evaluated: 2026-04-01. Review status: criteria provided, single submitter. Criteria: ACMG Guidelines, 2015. Collection method: research. Allele origin: germline. Affected: no.
Comment: Classification performed by HerediClassify using the following criteria:['PM2_supporting: Variant occures does not occur as homozygous in gnomAD.', 'PVS1_protein_very_strong: Transcript ENST00000673944 is predicted to undergo NMD.']

NM_001372106.1(DNAH10):c.10790del (p.Phe3597fs)

Gene: DNAH10 (dynein axonemal heavy chain 10; plus strand). Cytogenetic location: 12q24.31.
Variant type: Deletion.
Coding change: c.10790del on transcript NM_001372106.1 (MANE Select); coding-DNA position 10790, one base deleted (T; older notation c.10790delT).
Protein change: p.Phe3597fs; shifts the reading frame from phenylalanine 3597.
Molecular consequence: frameshift variant.
Genome position (GRCh38, 1-based): chr12:123,916,524, T deleted; the last of 3 consecutive T bases (chr12:123,916,522-123,916,524); deleting any one gives the same sequence. VCF-style (leftmost placement, unchanged base first): chr12-123916521-CT-C. GRCh37 (hg19) VCF-style: chr12-124401068-CT-C.
Other names: c.10436del, p.Phe3479fs (NM_207437.3); short protein forms F3479fs, F3597fs.
Identifiers: ClinVar variation 4880124 (VCV004880124.1).